The following is an entry in ClinVar:

ClinVar aggregate classification (germline): Uncertain significance. Review status: criteria provided, multiple submitters, no conflicts (2 of 4 stars). 4 submissions from 3 submitters: Uncertain significance (4). Last evaluated 2024-05-26.

Conditions:
Inborn genetic diseases. Identifiers: MedGen C0950123, MeSH D030342.
Syndactyly. Also called: Webbed fingers or toes. Identifiers: MedGen C0039075, MONDO:0021002, HP:0001159.
Spondylocostal dysostosis 1, autosomal recessive (SCDO1). Also called: DLL3-Related Spondylocostal Dysostosis, Autosomal Recessive. Identifiers: Orphanet 2311, MedGen CN032975, MONDO:0020692, OMIM 277300.

Allele frequency attached by ClinVar (database versions not stated): ExAC below 0.00001; gnomAD 0.00001 and 0.00002; TOPMed 0.00001; gnomAD exomes 0.00003; 1000 Genomes Project 30x 0.00016; 1000 Genomes Project 0.00020.
gnomAD v4.1: 49 of 1,439,236 alleles (0.0034%); highest among the groups gnomAD compares: East Asian, 0.021%; no homozygotes.

Submissions (4):

Ambry Genetics
Classification: Uncertain significance for Inborn genetic diseases. Last evaluated: 2024-05-26. Review status: criteria provided, single submitter. Criteria: Ambry Variant Classification Scheme 2023. Collection method: clinical testing. Allele origin: germline.

Labcorp Genetics (formerly Invitae), Labcorp
Classification: Uncertain significance. Last evaluated: 2022-08-23. Review status: criteria provided, single submitter. Criteria: Invitae Variant Classification Sherloc (09022015). Collection method: clinical testing. Allele origin: germline.
Comment: This sequence change replaces arginine, which is basic and polar, with tryptophan, which is neutral and slightly polar, at codon 160 of the DLL3 protein (p.Arg160Trp). This variant is present in population databases (rs376907733, gnomAD 0.03%). This variant has not been reported in the literature in individuals affected with DLL3-related conditions. ClinVar contains an entry for this variant (Variation ID: 894146). Algorithms developed to predict the effect of missense changes on protein structure and function are either unavailable or do not agree on the potential impact of this missense change (SIFT: "Deleterious"; PolyPhen-2: "Benign"; Align-GVGD: "Class C0"). In summary, the available evidence is currently insufficient to determine the role of this variant in disease. Therefore, it has been classified as a Variant of Uncertain Significance.

Illumina Laboratory Services, Illumina
Classification: Uncertain significance for Non-syndromic syndactyly. Last evaluated: 2017-04-27. Review status: criteria provided, single submitter. Criteria: ICSL Variant Classification Criteria 13 December 2019. Collection method: clinical testing. Allele origin: germline.

Illumina Laboratory Services, Illumina
Classification: Uncertain significance for Spondylocostal dysostosis 1, autosomal recessive. Last evaluated: 2017-04-27. Review status: criteria provided, single submitter. Criteria: ICSL Variant Classification Criteria 13 December 2019. Collection method: clinical testing. Allele origin: germline.

NM_203486.3(DLL3):c.478C>T (p.Arg160Trp)

Genes: DLL3 (delta like canonical Notch ligand 3; plus strand), LOC130064417 (ATAC-STARR-seq lymphoblastoid silent region 10608; plus strand). Cytogenetic location: 19q13.2.
Variant type: single nucleotide variant.
Coding change: c.478C>T on transcript NM_203486.3 (MANE Select); coding-DNA position 478, C replaced by T.
Protein change: p.Arg160Trp; replaces arginine 160 with tryptophan.
Molecular consequence: missense variant.
Genome position (GRCh38, 1-based): chr19:39,502,883, C>T. VCF-style: chr19-39502883-C-T. GRCh37 (hg19) VCF-style: chr19-39993523-C-T.
Other names: c.478C>T, p.Arg160Trp (NM_016941.4); short protein forms R160W.
Identifiers: ClinVar variation 894146 (VCV000894146.6), dbSNP rs376907733, ClinGen allele CA9432205.